The following is an entry in ClinVar:

ClinVar aggregate classification (germline): Likely benign. Review status: criteria provided, single submitter (1 of 4 stars). 2 submissions from 2 submitters: Likely benign (1). 1 of the submissions does not count toward it. Last evaluated 2025-03-31.

Conditions:
TSEN2-related disorder. Also called: TSEN2-related condition.

Allele frequency attached by ClinVar (database versions not stated): ExAC 0.00001.
gnomAD v4.1: 11 of 1,614,078 alleles (0.00068%); highest among the groups gnomAD compares: South Asian, 0.0022%; no homozygotes.

Submissions (2):

Labcorp Genetics (formerly Invitae), Labcorp
Classification: Likely benign. Last evaluated: 2025-03-31. Review status: criteria provided, single submitter. Criteria: Invitae Variant Classification Sherloc (09022015). Collection method: clinical testing. Allele origin: germline.

PreventionGenetics, part of Exact Sciences
Classification: Likely benign for TSEN2-related condition. Last evaluated: 2022-08-10. Review status: no assertion criteria provided. Collection method: clinical testing. Allele origin: germline. Not counted in ClinVar's aggregate classification.
Comment: This variant is classified as likely benign based on ACMG/AMP sequence variant interpretation guidelines (Richards et al. 2015 PMID: 25741868, with internal and published modifications).

NM_025265.4(TSEN2):c.309-9G>A

Gene: TSEN2 (tRNA splicing endonuclease subunit 2; plus strand). Cytogenetic location: 3p25.2.
Variant type: single nucleotide variant.
Coding change: c.309-9G>A on transcript NM_025265.4 (MANE Select); 9 bases into the intron before coding-DNA position 309, G replaced by A.
Molecular consequence: intron variant.
Genome position (GRCh38, 1-based): chr3:12,503,253, G>A. VCF-style: chr3-12503253-G-A. GRCh37 (hg19) VCF-style: chr3-12544752-G-A.
Other names: c.309-9G>A (NM_001321278.2, NM_001321279.2, NM_001145392.2 and 4 more transcripts).
Identifiers: ClinVar variation 1968396 (VCV001968396.7), dbSNP rs760332839, ClinGen allele CA2258483.